The following is an entry in ClinVar:

NM_001372066.1(TFAP2A):c.1271C>T (p.Thr424Met)

Gene: TFAP2A (transcription factor AP-2 alpha; minus strand). Cytogenetic location: 6p24.3.
Variant type: single nucleotide variant.
Coding change: c.1271C>T on transcript NM_001372066.1 (MANE Select); coding-DNA position 1271, C replaced by T.
Protein change: p.Thr424Met; replaces threonine 424 with methionine.
Molecular consequence: missense variant.
Genome position (GRCh38, 1-based): chr6:10,398,466, G>A on the plus strand (C>T on the coding strand, the complement: TFAP2A is on the minus strand). VCF-style: chr6-10398466-G-A. GRCh37 (hg19) VCF-style: chr6-10398699-G-A.
Other names: NM_003220.2:c.1265C>T; c.1247C>T, p.Thr416Met (NM_001032280.3); c.1253C>T, p.Thr418Met (NM_001042425.3); short protein forms T416M, T418M, T424M.
Identifiers: ClinVar variation 3355436 (VCV003355436.1).

ClinVar aggregate classification (germline): Uncertain significance (0 of 4 stars; one submission).

Conditions:
TFAP2A-related disorder. Also called: TFAP2A-related condition.

gnomAD v4.1: 1 of 1,614,134 alleles (0.000062%); highest among the groups gnomAD compares: African/African-American, 0.0013%; no homozygotes.

Submission:

PreventionGenetics, part of Exact Sciences
Classification: Uncertain significance for TFAP2A-related condition. Last evaluated: 2024-04-04. Review status: no assertion criteria provided. Collection method: clinical testing. Allele origin: germline.
Comment: The TFAP2A c.1265C>T variant is predicted to result in the amino acid substitution p.Thr422Met. To our knowledge, this variant has not been reported in the literature or in a large population database, indicating this variant is rare. At this time, the clinical significance of this variant is uncertain due to the absence of conclusive functional and genetic evidence.